The following is an entry in ClinVar:

ClinVar aggregate classification (germline): Conflicting classifications of pathogenicity. Review status: criteria provided, conflicting classifications (1 of 4 stars). 3 submissions from 3 submitters: Uncertain significance (1); Likely benign (2). Last evaluated 2024-08-20.

Conditions:
Hereditary breast ovarian cancer syndrome. Also called: Hereditary breast and ovarian cancer syndrome; BRCA1- and BRCA2-Associated Hereditary Breast and Ovarian Cancer; Breast and ovarian cancer; Hereditary breast and/or ovarian cancer syndrome; Hereditary breast and ovarian cancer syndrome (HBOC); Hereditary breast and ovarian cancer. Identifiers: Orphanet 145, MedGen C0677776, MeSH D061325, MONDO:0003582. Disease mechanism: loss of function.
Hereditary cancer-predisposing syndrome. Also called: Hereditary neoplastic syndrome; Hereditary Cancer Syndrome; Neoplastic Syndromes, Hereditary; Tumor predisposition. Identifiers: Orphanet 140162, MedGen C0027672, MeSH D009386, MONDO:0015356.

Submissions (3):

Ambry Genetics
Classification: Likely benign for Hereditary cancer-predisposing syndrome. Last evaluated: 2024-08-20. Review status: criteria provided, single submitter. Criteria: Ambry Variant Classification Scheme 2023. Collection method: clinical testing. Allele origin: germline.

University of Washington Department of Laboratory Medicine, University of Washington
Classification: Likely benign for Hereditary cancer-predisposing syndrome. Last evaluated: 2023-03-23. Review status: criteria provided, single submitter. Criteria: Dines et al. (Genet Med. 2020). Collection method: curation. Allele origin: germline.
Comment: Missense variant in a coldspot region where missense variants are very unlikely to be pathogenic (PMID:31911673).

BRCA1 coldspot (exon 11 using historical exon numbering). Reclassification based on statistical prior probability

Labcorp Genetics (formerly Invitae), Labcorp
Classification: Uncertain significance for Hereditary breast ovarian cancer syndrome. Last evaluated: 2021-03-21. Review status: criteria provided, single submitter. Criteria: Invitae Variant Classification Sherloc (09022015). Collection method: clinical testing. Allele origin: germline.
Comment: This variant has not been reported in the literature in individuals with BRCA1-related conditions. This variant is not present in population databases (ExAC no frequency). This sequence change replaces methionine with valine at codon 1324 of the BRCA1 protein (p.Met1324Val). The methionine residue is weakly conserved and there is a small physicochemical difference between methionine and valine. Advanced modeling of protein sequence and biophysical properties (such as structural, functional, and spatial information, amino acid conservation, physicochemical variation, residue mobility, and thermodynamic stability) performed at Invitae indicates that this missense variant is not expected to disrupt BRCA1 protein function. In summary, the available evidence is currently insufficient to determine the role of this variant in disease. Therefore, it has been classified as a Variant of Uncertain Significance. Algorithms developed to predict the effect of sequence changes on RNA splicing suggest that this variant may create or strengthen a splice site, but this prediction has not been confirmed by published transcriptional studies.

NM_007294.4(BRCA1):c.3970A>G (p.Met1324Val)

Genes: BRCA1 (BRCA1 DNA repair associated; minus strand), LOC126862571 (BRD4-independent group 4 enhancer GRCh37_chr17:41243136-41244335; plus strand). Cytogenetic location: 17q21.31.
Variant type: single nucleotide variant.
Coding change: c.3970A>G on transcript NM_007294.4 (MANE Select); coding-DNA position 3970, A replaced by G.
Protein change: p.Met1324Val; replaces methionine 1324 with valine.
Molecular consequence: missense variant. On other transcripts: intron variant (135).
Genome position (GRCh38, 1-based): chr17:43,091,561, T>C on the plus strand (A>G on the coding strand, the complement: BRCA1 is on the minus strand). VCF-style: chr17-43091561-T-C. GRCh37 (hg19) VCF-style: chr17-41243578-T-C.
Other names: c.3757A>G, p.Met1253Val (NM_001407571.1, NM_001407853.1, NM_001407894.1 and 9 more transcripts); c.3970A>G, p.Met1324Val (NM_001407581.1, NM_001407582.1, NM_001407583.1 and 30 more transcripts); c.3967A>G, p.Met1323Val (NM_001407587.1, NM_001407590.1, NM_001407591.1 and 22 more transcripts); c.3961A>G, p.Met1321Val (NM_001407646.1, NM_001407647.1); c.3847A>G, p.Met1283Val (NM_001407648.1, NM_001407664.1, NM_001407665.1 and 19 more transcripts); c.3844A>G, p.Met1282Val (NM_001407649.1, NM_001407670.1, NM_001407671.1 and 11 more transcripts); c.3892A>G, p.Met1298Val (NM_001407653.1, NM_001407654.1, NM_001407655.1 and 4 more transcripts); c.3889A>G, p.Met1297Val (NM_001407659.1, NM_001407660.1, NM_001407661.1 and 1 more transcripts); and 41 more; short protein forms M1277V, M1324V, M1196V, M1236V, M1253V, M1276V, M1282V, M1297V.
Identifiers: ClinVar variation 1404686 (VCV001404686.12), dbSNP rs587782241, ClinGen allele CA10594029.
Genomic context (GRCh38, chr17:43,091,561, plus strand): 5'-CATCTGAAACCAATTCCTTGTCACTCAGACCAACTCCCTGGCTTTCAGACTGATGCCTCA[T>C]TTGTTTGGAAGAACCAATCAAGAAAGGATCCTGGGTGTTTGTATTTGCAGTCAAGTCTTC-3'
Protein context (NP_009225.1, residues 1314-1334): DPFLIGSSKQ[Met1324Val]RHQSESQGVG